The following is an entry in ClinVar:

NM_020184.4(CNNM4):c.731G>T (p.Cys244Phe)

Gene: CNNM4 (cyclin and CBS domain divalent metal cation transport mediator 4; plus strand). Cytogenetic location: 2q11.2.
Variant type: single nucleotide variant.
Coding change: c.731G>T on transcript NM_020184.4 (MANE Select); coding-DNA position 731, G replaced by T.
Protein change: p.Cys244Phe; replaces cysteine 244 with phenylalanine.
Molecular consequence: missense variant.
Genome position (GRCh38, 1-based): chr2:96,761,730, G>T. VCF-style: chr2-96761730-G-T. GRCh37 (hg19) VCF-style: chr2-97427467-G-T.
Other names: short protein forms C244F.
Identifiers: ClinVar variation 1297152 (VCV001297152.5), dbSNP rs1300890772, ClinGen allele CA347714878.

ClinVar aggregate classification (germline): Uncertain significance. Review status: criteria provided, multiple submitters, no conflicts (2 of 4 stars). 3 submissions from 3 submitters: Uncertain significance (2). 1 of the submissions does not count toward it. Last evaluated 2022-08-05.

Conditions:
Retinitis pigmentosa (RP). Identifiers: Orphanet 791, MedGen C0035334, MeSH D012174, MONDO:0019200, OMIM 268000. Inheritance: Autosomal dominant, autosomal recessive and X linked inheritance.
Jalili syndrome. Also called: CONE-ROD DYSTROPHY AND AMELOGENESIS IMPERFECTA. Identifiers: Orphanet 1873, MedGen C3495589, MONDO:0009007, OMIM 217080.

Submissions (3):

Labcorp Genetics (formerly Invitae), Labcorp
Classification: Uncertain significance. Last evaluated: 2022-08-05. Review status: criteria provided, single submitter. Criteria: Invitae Variant Classification Sherloc (09022015). Collection method: clinical testing. Allele origin: germline.
Comment: This sequence change replaces cysteine, which is neutral and slightly polar, with phenylalanine, which is neutral and non-polar, at codon 244 of the CNNM4 protein (p.Cys244Phe). This variant is not present in population databases (gnomAD no frequency). This variant has not been reported in the literature in individuals affected with CNNM4-related conditions. ClinVar contains an entry for this variant (Variation ID: 1297152). Algorithms developed to predict the effect of missense changes on protein structure and function are either unavailable or do not agree on the potential impact of this missense change (SIFT: "Deleterious"; PolyPhen-2: "Probably Damaging"; Align-GVGD: "Class C0"). In summary, the available evidence is currently insufficient to determine the role of this variant in disease. Therefore, it has been classified as a Variant of Uncertain Significance.

Broad Center for Mendelian Genomics, Broad Institute of MIT and Harvard
Classification: Uncertain significance for Retinitis pigmentosa. Last evaluated: 2021-04-01. Review status: criteria provided, single submitter. Criteria: ACMG Guidelines, 2015. Collection method: curation. Allele origin: germline. Inheritance: Autosomal recessive inheritance. Affected: yes.
Comment: Through a review of available evidence we were able to apply the following criteria: PM2, PP3. Based on this evidence we have classified this variant as a Variant of Uncertain Significance. If you have any questions about the classification please reach out to the Pierce Lab.

Laboratorio de Genética Hospitales Universitarios Virgen de las Nieves y Clínico San Cecilio (Granada, Spain), Hospitales Universitarios Virgen de las Nieves y Clínico San Cecilio (Granada, Spain)
Classification: Likely pathogenic for Jalili syndrome. Review status: no assertion criteria provided. Collection method: clinical testing. Allele origin: inherited. Inheritance: Autosomal recessive inheritance. Affected: yes. Not counted in ClinVar's aggregate classification.

Literature cited by the submitters: PubMed 34906470 (cited by Broad Center for Mendelian Genomics, Broad Institute of MIT and Harvard).